The following is an entry in ClinVar:

ClinVar aggregate classification (germline): Uncertain significance (1 of 4 stars; one submission).

Submission:

GeneDx
Classification: Uncertain significance. Last evaluated: 2024-05-10. Review status: criteria provided, single submitter. Criteria: GeneDx Variant Classification Process June 2021. Collection method: clinical testing. Allele origin: germline. Affected: yes.
Comment: Not observed at significant frequency in large population cohorts (gnomAD); Frameshift variant predicted to result in abnormal protein length as the last 11 amino acids are replaced with 35 different amino acids; Has not been previously published as pathogenic or benign to our knowledge

NM_016194.4(GNB5):c.1154del (p.Gly385fs)

Gene: GNB5 (G protein subunit beta 5; minus strand). Cytogenetic location: 15q21.2.
Variant type: Deletion.
Coding change: c.1154del on transcript NM_016194.4 (MANE Select); coding-DNA position 1154, one base deleted (G; older notation c.1154delG).
Protein change: p.Gly385fs; shifts the reading frame from glycine 385.
Molecular consequence: frameshift variant.
Genome position (GRCh38, 1-based): chr15:52,124,495, C deleted on the plus strand (G on the coding strand, the reverse complement: GNB5 is on the minus strand); the first of 2 consecutive C bases (chr15:52,124,495-52,124,496); deleting either gives the same sequence. VCF-style (leftmost placement, unchanged base first): chr15-52124494-TC-T. GRCh37 (hg19) VCF-style: chr15-52416691-TC-T.
Other names: c.872del, p.Gly291fs (NM_001379343.1); c.1028del, p.Gly343fs (NM_006578.4); short protein forms G291fs, G343fs, G385fs.
Identifiers: ClinVar variation 3375602 (VCV003375602.1).